The following is an entry in ClinVar:

NC_000005.9:g.(?_148426859)_(148427552_?)del

Gene: SH3TC2 (SH3 domain and tetratricopeptide repeats 2; minus strand). Cytogenetic location: 5q32.
Variant type: Deletion.
Identifiers: ClinVar variation 2426833 (VCV002426833.3).

ClinVar aggregate classification (germline): Pathogenic (1 of 4 stars; one submission).

Conditions:
Charcot-Marie-Tooth disease type 4. Also called: Charcot-Marie-Tooth, Type 4; Charcot-Marie-Tooth disease, type IV. Identifiers: Orphanet 64749, MedGen C4082197, MONDO:0018995.

Submission:

Labcorp Genetics (formerly Invitae), Labcorp
Classification: Pathogenic for Charcot-Marie-Tooth disease type 4. Last evaluated: 2022-03-14. Review status: criteria provided, single submitter. Criteria: Invitae Variant Classification Sherloc (09022015). Collection method: clinical testing. Allele origin: germline.
Comment: This variant is a gross deletion of the genomic region encompassing exon(s) 3 of the SH3TC2 gene. This deletion is out-of-frame, and is expected to create a premature termination codon and result in an absent or disrupted protein product. Loss-of-function variants in SH3TC2 are known to be pathogenic (PMID: 20220177, 27068304). This variant has not been reported in the literature in individuals affected with SH3TC2-related conditions. For these reasons, this variant has been classified as Pathogenic.

Literature cited by the submitters: PubMed 20220177; PubMed 27068304.